The following is an entry in ClinVar:

ClinVar aggregate classification (germline): Pathogenic. Review status: criteria provided, multiple submitters, no conflicts (2 of 4 stars). 27 submissions from 27 submitters: Pathogenic (23). 4 of the submissions do not count toward it. Last evaluated 2026-06-16.

Conditions:
ATP7B-related disorder. Also called: ATP7B-related condition.
Inborn genetic diseases. Identifiers: MedGen C0950123, MeSH D030342.
Wilson disease (WND). Also called: Wilson's disease. Identifiers: Orphanet 905, MedGen C0019202, MONDO:0010200, OMIM 277900. Disease mechanism: loss of function.

Allele frequency attached by ClinVar (database versions not stated): gnomAD 0.00010; TOPMed 0.00019.
gnomAD v4.1: 71 of 1,614,178 alleles (0.0044%); highest among the groups gnomAD compares: East Asian, 0.15%; no homozygotes.

Submissions 1 to 8 of 27:

PreventionGenetics, part of Exact Sciences
Classification: Pathogenic for ATP7B-related condition. Last evaluated: 2026-06-16. Review status: criteria provided, single submitter. Criteria: ACMG Guidelines, 2015. Collection method: clinical testing. Allele origin: germline.
Comment: The ATP7B c.2333G>T variant is predicted to result in the amino acid substitution p.Arg778Leu. This variant, described as Arg779Leu in legacy nomenclature, has been reported as a common pathogenic variant to be causative for autosomal recessive Wilson disease (Thomas et al. 1995. PubMed ID: 7626145; Hua et al. 2016. PubMed ID: 27398169; Al-Obaidi and Al-Musawi. 2025. PubMed ID: 39933775). Functional studies showed that the variant adversely impacts protein function (Forbes et al. 1998. PubMed ID: 9837819; Huang et al. 2022. PubMed ID: 35470480; Tang et al. 2023. PubMed ID: 37717021). Alternate variants at the same amino acid position (p.Arg778Gln, p.Arg778Gly, p.Arg778Trp) have been reported individuals with Wilson disease from various ethnicities and noted to be pathogenic (Chuang et al. 1996. PubMed ID: 8782057; Table S2, Schushan. 2012. PubMed ID: 22692182). The c.2333G>T variant has been reported 37 times among ~281,000 alleles (~0.01%) in a large population database, but is enriched in the East Asian population. In ClinVar, this variant in interpreted as pathogenic (Variation ID: 3852). Taken together, we interpret this variant as pathogenic.

Labcorp Genetics (formerly Invitae), Labcorp
Classification: Pathogenic for Wilson disease. Last evaluated: 2026-01-28. Review status: criteria provided, single submitter. Criteria: Invitae Variant Classification Sherloc (09022015). Collection method: clinical testing. Allele origin: germline.
Comment: This sequence change replaces arginine, which is basic and polar, with leucine, which is neutral and non-polar, at codon 778 of the ATP7B protein (p.Arg778Leu). This variant is present in population databases (rs28942074, gnomAD 0.2%). This missense change has been observed in individual(s) with Wilson disease (PMID: 10453196, 11405812, 25086856, 25988284, 27398169, 28212618). ClinVar contains an entry for this variant (Variation ID: 3852). Invitae Evidence Modeling of protein sequence and biophysical properties (such as structural, functional, and spatial information, amino acid conservation, physicochemical variation, residue mobility, and thermodynamic stability) indicates that this missense variant is expected to disrupt ATP7B protein function with a positive predictive value of 80%. Experimental studies have shown that this missense change affects ATP7B function (PMID: 9837819, 10942420, 19937698). This variant disrupts the p.Arg778 amino acid residue in ATP7B. Other variant(s) that disrupt this residue have been determined to be pathogenic (PMID: 11243728, 11479773, 16998622, 17160357, 23518715). This suggests that this residue is clinically significant, and that variants that disrupt this residue are likely to be disease-causing. For these reasons, this variant has been classified as Pathogenic.

Natera, Inc.
Classification: Pathogenic for Wilson disease. Last evaluated: 2025-11-25. Review status: criteria provided, single submitter. Criteria: Natera Variant Classification Schema (03/2026). Collection method: clinical testing. Allele origin: germline.
Comment: The c.2333G>T variant in ATP7B is a missense variant predicted to cause substitution of arginine to leucine at amino acid 778. This variant is rare in the general population with a frequency below the threshold expected for the associated phenotype(s). This variant has been observed in one or more individuals affected with the associated recessive disease, as either homozygous or compound heterozygous with a second variant (PMID: 27022412, 12544487). Computational prediction algorithms indicate this variant is likely to affect gene or protein function. Given the available evidence, this variant is classified as Pathogenic.

3billion
Classification: Pathogenic for ATP7B-related disorder. Last evaluated: 2025-09-24. Review status: criteria provided, single submitter. Criteria: ACMG Guidelines, 2015. Collection method: clinical testing. Allele origin: germline. Affected: yes.
Comment: The variant is observed at an extremely low frequency in the gnomAD v4.1.0 dataset (total allele frequency: 0.004%). Predicted Consequence/Location: Missense variant Functional studies provide strong evidence of the variant having a damaging effect on the gene or gene product (PMID: 10942420, 19937698, 9837819). In silico tool predictions suggest damaging effect of the variant on gene or gene product [REVEL: 0.95 (>=0.6, sensitivity 0.68 and specificity 0.92); 3Cnet: 0.98 (> 0.75, sensitivity 0.96 and precision 0.92)]. The same nucleotide change resulting in the same amino acid change has been previously reported as pathogenic/likely pathogenic with strong evidence (ClinVar ID: VCV000003852 /PMID: 7626145 /3billion dataset). The variant has been reported to be in trans with a pathogenic variant as either compound heterozygous or homozygous in at least one similarly affected unrelated individual (3billion dataset). The variant has been reported to co-segregate with the disease in at least 5 similarly affected relatives/individuals in the same family or similarly affected unrelated families (PMID: 10453196, 11405812, 25086856, 25988284, 27398169, 28212618). Different missense changes at the same codon (p.Arg778Gln, p.Arg778Gly, p.Arg778Thr, p.Arg778Trp) have been reported as pathogenic/likely pathogenic with strong evidence (ClinVar ID: VCV000156283, VCV000456553, VCV000550914 /PMID: 8533760, 8782057, 9311736, None /3billion dataset). Therefore, this variant is classified as Pathogenic according to the recommendation of ACMG/AMP guideline.

Mayo Clinic Laboratories, Mayo Clinic
Classification: Pathogenic. Last evaluated: 2025-08-12. Review status: criteria provided, single submitter. Criteria: ACMG Guidelines, 2015. Collection method: clinical testing. Allele origin: germline. Observed: 10 variant alleles.

Genetics and Genomic Medicine Centre, NeuroGen Healthcare, NeuroGen Healthcare
Classification: Pathogenic for Wilson disease. Last evaluated: 2025-03-31. Review status: criteria provided, single submitter. Criteria: ACMG Guidelines, 2015. Collection method: clinical testing. Allele origin: unknown. Affected: no.

ARUP Laboratories, Molecular Genetics and Genomics, ARUP Laboratories
Classification: Pathogenic for Wilson disease. Last evaluated: 2025-03-24. Review status: criteria provided, single submitter. Criteria: ARUP Molecular Germline Variant Investigation Process 2024. Collection method: clinical testing. Allele origin: germline.
Comment: The ATP7B c.2333G>T; p.Arg778Leu variant (rs28942074) is a common pathogenic variant in Asian populations found homozygous and compound heterozygous in several individuals affected with Wilson disease (Li 2013, Wu 2001, Xiao 2019). Functional analyses of the variant protein show reduced expression, defective copper excretion, and subcellular mislocalization (van den Berghe 2009, Zhu 2015). This variant is reported in ClinVar (Variation ID: 3852) and is found in East Asian population with an allele frequency of 0.2% (37/19538 alleles) in the Genome Aggregation Database. Computational analyses predict that this variant is deleterious (REVEL: 0.947). Based on available information, this variant is considered to be pathogenic. References: Li K et al. Mutational analysis of ATP7B in north Chinese patients with Wilson disease. J Hum Genet. 2013 Feb;58(2):67-72. PMID: 23235335. van den Berghe PV et al. Reduced expression of ATP7B affected by Wilson disease-causing mutations is rescued by pharmacological folding chaperones 4-phenylbutyrate and curcumin. Hepatology. 2009 Dec;50(6):1783-95. PMID: 19937698. Wu ZY et al. Mutation analysis and the correlation between genotype and phenotype of Arg778Leu mutation in chinese patients with Wilson disease. Arch Neurol. 2001 Jun;58(6):971-6. PMID: 11405812. Xiao H et al. Mutation Analysis of the ATP7B Gene in Seven Chinese Families with Wilson's Disease. Digestion. 2019;99(4):319-326. PMID: 30384382. Zhu M et al. Defective roles of ATP7B missense mutations in cellular copper tolerance and copper excretion. Mol Cell Neurosci. 2015 Jul;67:31-6. PMID: 26032686.

Blueprint Genetics
Classification: Pathogenic for ATP7B-related disorders. Last evaluated: 2024-10-15. Review status: criteria provided, single submitter. Criteria: ACMG Guidelines, 2015. Collection method: clinical testing. Allele origin: germline. Affected: yes. Observed: 5 variant alleles.

NM_000053.4(ATP7B):c.2333G>T (p.Arg778Leu)

Gene: ATP7B (ATPase copper transporting beta; minus strand). Cytogenetic location: 13q14.3.
Variant type: single nucleotide variant.
Coding change: c.2333G>T on transcript NM_000053.4 (MANE Select); coding-DNA position 2333, G replaced by T.
Protein change: p.Arg778Leu; replaces arginine 778 with leucine.
Molecular consequence: missense variant. On other transcripts: intron variant (2).
Genome position (GRCh38, 1-based): chr13:51,958,333, C>A on the plus strand (G>T on the coding strand, the complement: ATP7B is on the minus strand). VCF-style: chr13-51958333-C-A. GRCh37 (hg19) VCF-style: chr13-52532469-C-A.
Other names: c.2000G>T (NM_001243182.1); c.2000G>T, p.Arg667Leu (NM_001243182.2); c.2081G>T, p.Arg694Leu (NM_001330579.2); c.1870-726G>T (NM_001005918.3); c.2122-726G>T (NM_001330578.2); short protein forms R778L, R667L, R694L.
Identifiers: ClinVar variation 3852 (VCV000003852.66), dbSNP rs28942074, ClinGen allele CA340126.